The following is an entry in ClinVar:

ClinVar aggregate classification (germline): Pathogenic (1 of 4 stars; one submission).

Conditions:
Polycystic kidney disease, adult type (PKD1). Also called: Polycystic Kidney, Autosomal Dominant; POLYCYSTIC KIDNEY DISEASE, ADULT, TYPE I; Polycystic Kidney Disease 1, Autosomal Dominant; Polycystic kidney disease 1; Polycystic kidney disease 1, severe; POLYCYSTIC KIDNEY DISEASE 1 WITH OR WITHOUT POLYCYSTIC LIVER DISEASE. Identifiers: MedGen C3149841, MONDO:0008263, OMIM 173900.

Submission:

Victorian Clinical Genetics Services, Murdoch Childrens Research Institute
Classification: Pathogenic for Polycystic kidney disease, adult type. Last evaluated: 2026-07-22. Review status: criteria provided, single submitter. Criteria: ACMG Guidelines, 2015. Collection method: clinical testing. Allele origin: germline. Affected: yes.
Comment: This variant is classified as Pathogenic. Evidence in support of pathogenic classification: This variant is predicted to cause nonsense-mediated decay (NMD) and loss of protein (premature termination codon is located at least 54 nucleotides upstream of the final exon-exon junction); This variant is absent from gnomAD v4; Other variants comparable to the one identified in this case have very strong previous evidence for pathogenicity (DECIPHER). Additional information: This variant is heterozygous; This gene is associated with autosomal dominant disease. Polycystic kidney disease 1 (MIM#173900) is predominantly caused by monoallelic variants, with rare reports of biallelic variants causing disease (OMIM); Loss of function is a known mechanism of disease in this gene and is associated with polycystic kidney disease 1 (MIM#173900); Inheritance information for this variant is not currently available in this individual.

NM_001009944.3(PKD1):c.5744C>A (p.Ser1915Ter)

Gene: PKD1 (polycystin 1, transient receptor potential channel interacting; minus strand). Cytogenetic location: 16p13.3.
Variant type: single nucleotide variant.
Coding change: c.5744C>A on transcript NM_001009944.3 (MANE Select); coding-DNA position 5744, C replaced by A.
Protein change: p.Ser1915Ter; replaces serine 1915 with a stop codon.
Molecular consequence: nonsense.
Genome position (GRCh38, 1-based): chr16:2,109,423, G>T on the plus strand (C>A on the coding strand, the complement: PKD1 is on the minus strand). VCF-style: chr16-2109423-G-T. GRCh37 (hg19) VCF-style: chr16-2159424-G-T.
Other names: c.5744C>A, p.Ser1915Ter (NM_000296.4); short protein forms S1915*.
Identifiers: ClinVar variation 3254852 (VCV003254852.2), dbSNP rs760842136.